The following is an entry in ClinVar:

ClinVar aggregate classification (germline): Likely benign. Review status: criteria provided, multiple submitters, no conflicts (2 of 4 stars). 2 submissions from 2 submitters: Likely benign (2). Last evaluated 2026-05-01.

Conditions:
FGFR2-related craniosynostosis. Identifiers: MedGen CN231480.

Allele frequency attached by ClinVar (database versions not stated): gnomAD exomes 0.00002; ExAC 0.00004; TOPMed 0.00007; gnomAD 0.00009; 1000 Genomes Project 30x 0.00016; 1000 Genomes Project 0.00020.
gnomAD v4.1: 46 of 1,614,176 alleles (0.0028%); highest among the groups gnomAD compares: Admixed American, 0.028%; no homozygotes.

Submissions (2):

CeGaT Center for Human Genetics Tuebingen
Classification: Likely benign. Last evaluated: 2026-05-01. Review status: criteria provided, single submitter. Criteria: CeGaT Center For Human Genetics Tuebingen Variant Classification Criteria Version 2. Collection method: clinical testing. Allele origin: germline. Affected: yes. Observed: 1 variant allele.
Comment: FGFR2: BP4, BP7

Labcorp Genetics (formerly Invitae), Labcorp
Classification: Likely benign for FGFR2-related craniosynostosis. Last evaluated: 2025-10-11. Review status: criteria provided, single submitter. Criteria: Invitae Variant Classification Sherloc (09022015). Collection method: clinical testing. Allele origin: germline.

NM_000141.5(FGFR2):c.288C>T (p.Gly96=)

Gene: FGFR2 (fibroblast growth factor receptor 2; minus strand). Cytogenetic location: 10q26.13.
Variant type: single nucleotide variant.
Coding change: c.288C>T on transcript NM_000141.5 (MANE Select); coding-DNA position 288, C replaced by T.
Protein change: p.Gly96=; no amino-acid change (glycine 96 retained).
Molecular consequence: synonymous variant. On other transcripts: intron variant (9).
Genome position (GRCh38, 1-based): chr10:121,565,526, G>A on the plus strand (C>T on the coding strand, the complement: FGFR2 is on the minus strand). VCF-style: chr10-121565526-G-A. GRCh37 (hg19) VCF-style: chr10-123325040-G-A.
Other names: c.288C>T, p.Gly96= (NM_001144913.1, NM_001144914.1, NM_001144917.2 and 3 more transcripts); c.110-14067C>T (NM_001144918.2, NM_001441091.1, NM_001441090.1 and 1 more transcripts); c.110-947C>T (NM_001441089.1, NM_023029.3, NM_001441088.1 and 2 more transcripts).
Identifiers: ClinVar variation 2194098 (VCV002194098.6), dbSNP rs55806379, ClinGen allele CA5721182.